The following is an entry in ClinVar:

ClinVar aggregate classification (germline): Likely benign (0 of 4 stars; one submission).

Conditions:
MTNR1B-related disorder. Also called: MTNR1B-related condition.

Allele frequency attached by ClinVar (database versions not stated): TOPMed 0.00004; gnomAD 0.00006; ExAC 0.00008; ESP Exome Variant Server 0.00008; gnomAD exomes 0.00008.
gnomAD v4.1: 127 of 1,614,110 alleles (0.0079%); highest among the groups gnomAD compares: Admixed American, 0.01%; no homozygotes.

Submission:

PreventionGenetics, part of Exact Sciences
Classification: Likely benign for MTNR1B-related condition. Last evaluated: 2019-05-28. Review status: no assertion criteria provided. Collection method: clinical testing. Allele origin: germline.
Comment: This variant is classified as likely benign based on ACMG/AMP sequence variant interpretation guidelines (Richards et al. 2015 PMID: 25741868, with internal and published modifications).

NM_005959.5(MTNR1B):c.816C>T (p.Leu272=)

Gene: MTNR1B (melatonin receptor 1B; plus strand). Cytogenetic location: 11q14.3.
Variant type: single nucleotide variant.
Coding change: c.816C>T on transcript NM_005959.5 (MANE Select); coding-DNA position 816, C replaced by T.
Protein change: p.Leu272=; no amino-acid change (leucine 272 retained).
Molecular consequence: synonymous variant.
Genome position (GRCh38, 1-based): chr11:92,982,039, C>T. VCF-style: chr11-92982039-C-T. GRCh37 (hg19) VCF-style: chr11-92715205-C-T.
Identifiers: ClinVar variation 3043615 (VCV003043615.2), dbSNP rs370175309, ClinGen allele CA6229097.